The following is an entry in ClinVar:

ClinVar aggregate classification (germline): Benign. Review status: criteria provided, multiple submitters, no conflicts (2 of 4 stars). 9 submissions from 9 submitters: Benign (9). Last evaluated 2026-02-01.

Conditions:
Focal segmental glomerulosclerosis 2 (FSGS2). Identifiers: Orphanet 656, MedGen C1858915, MONDO:0011390, OMIM 603965.

Allele frequency attached by ClinVar (database versions not stated): 1000 Genomes Project 30x 0.07167; 1000 Genomes Project 0.07488; TOPMed 0.08465; gnomAD exomes 0.10377 and 0.12242; ExAC 0.10733; gnomAD 0.08831 and 0.08978; ESP Exome Variant Server 0.09696.
gnomAD v4.1: 192,398 of 1,613,612 alleles (12%); highest among the groups gnomAD compares: Middle Eastern, 15%; 12,329 homozygotes.

Submissions (9):

Labcorp Genetics (formerly Invitae), Labcorp
Classification: Benign. Last evaluated: 2026-02-01. Review status: criteria provided, single submitter. Criteria: Invitae Variant Classification Sherloc (09022015). Collection method: clinical testing. Allele origin: germline.

Blueprint Genetics
Classification: Benign. Last evaluated: 2024-11-27. Review status: criteria provided, single submitter. Criteria: ACMG Guidelines, 2015. Collection method: clinical testing. Allele origin: germline.

Unidad de Genómica Garrahan, Hospital de Pediatría Garrahan
Classification: Benign. Last evaluated: 2024-07-15. Review status: criteria provided, single submitter. Criteria: ACMG Guidelines, 2015. Collection method: clinical testing. Allele origin: germline. Affected: no. Observed: 19 variant alleles.
Comment: This variant is classified as Benign based on local population frequency. This variant was detected in 20% of patients studied in a panel designed for Epileptic and Developmental Encephalopathy and Progressive Myoclonus Epilepsy. Number of patients: 19. Only high quality variants are reported.

Mayo Clinic Laboratories, Mayo Clinic
Classification: Benign. Last evaluated: 2022-03-09. Review status: criteria provided, single submitter. Criteria: ACMG Guidelines, 2015. Collection method: clinical testing. Allele origin: germline. Observed: 24 variant alleles.

GeneDx
Classification: Benign. Last evaluated: 2019-10-25. Review status: criteria provided, single submitter. Criteria: GeneDx Variant Classification Process June 2021. Collection method: clinical testing. Allele origin: germline. Affected: yes.

Illumina Laboratory Services, Illumina
Classification: Benign for Focal segmental glomerulosclerosis 2. Last evaluated: 2018-01-13. Review status: criteria provided, single submitter. Criteria: ICSL Variant Classification Criteria 13 December 2019. Collection method: clinical testing. Allele origin: germline.
Comment: This variant was observed in the ICSL laboratory as part of a predisposition screen in an ostensibly healthy population. It had not been previously curated by ICSL or reported in the Human Gene Mutation Database (HGMD: prior to June 1st, 2018), and was therefore a candidate for classification through an automated scoring system. Utilizing variant allele frequency, disease prevalence and penetrance estimates, and inheritance mode, an automated score was calculated to assess if this variant is too frequent to cause the disease. Based on the score and internal cut-off values, a variant classified as benign is not then subjected to further curation. The score for this variant resulted in a classification of benign for this disease.

Athena Diagnostics
Classification: Benign. Last evaluated: 2017-04-12. Review status: criteria provided, single submitter. Criteria: Athena Diagnostics Criteria. Collection method: clinical testing. Allele origin: germline.

Breakthrough Genomics
Classification: Benign. Review status: criteria provided, single submitter. Criteria: ACMG Guidelines, 2015. Collection method: not provided. Allele origin: germline. Inheritance: Autosomal dominant inheritance. Affected: yes.

PreventionGenetics, part of Exact Sciences
Classification: Benign. Review status: criteria provided, single submitter. Criteria: ACMG Guidelines, 2015. Collection method: clinical testing. Allele origin: germline.

NM_004621.6(TRPC6):c.2712G>A (p.Gln904=)

Gene: TRPC6 (transient receptor potential cation channel subfamily C member 6; minus strand). Cytogenetic location: 11q22.1.
Variant type: single nucleotide variant.
Coding change: c.2712G>A on transcript NM_004621.6 (MANE Select); coding-DNA position 2712, G replaced by A.
Protein change: p.Gln904=; no amino-acid change (glutamine 904 retained).
Molecular consequence: synonymous variant.
Genome position (GRCh38, 1-based): chr11:101,453,039, C>T on the plus strand (G>A on the coding strand, the complement: TRPC6 is on the minus strand). VCF-style: chr11-101453039-C-T. GRCh37 (hg19) VCF-style: chr11-101323770-C-T.
Other names: p.Gln904=.
Identifiers: ClinVar variation 259462 (VCV000259462.21), dbSNP rs12805398, ClinGen allele CA6244031.